The following is an entry in ClinVar:

ClinVar aggregate classification (germline): Benign. Review status: criteria provided, multiple submitters, no conflicts (2 of 4 stars). 2 submissions from 2 submitters: Benign (2). Last evaluated 2019-04-19.

Allele frequency attached by ClinVar (database versions not stated): ESP Exome Variant Server 0.79840; gnomAD 0.81415 and 0.82071; TOPMed 0.82617; ExAC 0.82783; gnomAD exomes 0.83326; 1000 Genomes Project 30x 0.90194; 1000 Genomes Project 0.90495.
gnomAD v4.1: 1,283,245 of 1,614,052 alleles (80%); highest among the groups gnomAD compares: East Asian, 100%; 513,718 homozygotes.

Submissions (2):

GeneDx
Classification: Benign. Last evaluated: 2019-04-19. Review status: criteria provided, single submitter. Criteria: GeneDx Variant Classification Process June 2021. Collection method: clinical testing. Allele origin: germline. Affected: yes.
Comment: This variant is associated with the following publications: (PMID: 31178129, 30389748)

Breakthrough Genomics
Classification: Benign. Review status: criteria provided, single submitter. Criteria: ACMG Guidelines, 2015. Collection method: not provided. Allele origin: germline. Inheritance: Autosomal recessive inheritance. Affected: yes.

NM_001009996.3(DALRD3):c.896A>G (p.Gln299Arg)

Gene: DALRD3 (DALR anticodon binding domain containing 3; minus strand). Cytogenetic location: 3p21.31.
Variant type: single nucleotide variant.
Coding change: c.896A>G on transcript NM_001009996.3 (MANE Select); coding-DNA position 896, A replaced by G.
Protein change: p.Gln299Arg; replaces glutamine 299 with arginine.
Molecular consequence: missense variant.
Genome position (GRCh38, 1-based): chr3:49,017,259, T>C on the plus strand (A>G on the coding strand, the complement: DALRD3 is on the minus strand). VCF-style: chr3-49017259-T-C. GRCh37 (hg19) VCF-style: chr3-49054692-T-C.
Other names: c.896A>G, p.Gln299Arg (NM_001276405.2); c.395A>G, p.Gln132Arg (NM_018114.6); short protein forms Q132R, Q299R.
Identifiers: ClinVar variation 1232531 (VCV001232531.4), dbSNP rs3087866, ClinGen allele CA2389826.
Genomic context (GRCh38, chr3:49,017,259, plus strand): 5'-GGGGAGCTCCACCATCATTATTAACCTACCTGTCTGAGTGGAGCCTTGTCAACCAACTTC[T>C]GCCAAAGCAGGTCCAACTTCTGTTGCTGGAACTCCTCCTCACAGCTAACAACATGTACAA-3'
Protein context (NP_001009996.1, residues 289-309): FQQQKLDLLW[Gln299Arg]KLVDKAPLRQ